The following is an entry in ClinVar:

NM_001267550.2(TTN):c.95001T>C (p.Thr31667=)

Genes: TTN (titin; minus strand), TTN-AS1 (TTN antisense RNA 1; plus strand). Cytogenetic location: 2q31.2.
Variant type: single nucleotide variant.
Coding change: c.95001T>C on transcript NM_001267550.2 (MANE Select); coding-DNA position 95001, T replaced by C.
Protein change: p.Thr31667=; no amino-acid change (threonine 31667 retained).
Molecular consequence: synonymous variant.
Genome position (GRCh38, 1-based): chr2:178,546,330, A>G on the plus strand (T>C on the coding strand, the complement: TTN is on the minus strand). VCF-style: chr2-178546330-A-G. GRCh37 (hg19) VCF-style: chr2-179411057-A-G.
Other names: c.90078T>C, p.Thr30026= (NM_001256850.1); c.67806T>C, p.Thr22602= (NM_003319.4); c.87297T>C, p.Thr29099= (NM_133378.4); c.68181T>C, p.Thr22727= (NM_133432.3); c.68382T>C, p.Thr22794= (NM_133437.4).
Identifiers: ClinVar variation 2933277 (VCV002933277.4), dbSNP rs1697120026, ClinGen allele CA430242056.

ClinVar aggregate classification (germline): Likely benign. Review status: criteria provided, multiple submitters, no conflicts (2 of 4 stars). 2 submissions from 2 submitters: Likely benign (2). Last evaluated 2026-09-01.

Conditions:
Dilated cardiomyopathy 1G (CMD1G). Identifiers: Orphanet 154, MedGen C1858763, MONDO:0011400, OMIM 604145.
Autosomal recessive limb-girdle muscular dystrophy type 2J (LGMDR10). Also called: MUSCULAR DYSTROPHY, LIMB-GIRDLE, AUTOSOMAL RECESSIVE 10; Limb-girdle muscular dystrophy, type 2J. Identifiers: Orphanet 140922, MedGen C1837342, MONDO:0012127, OMIM 608807.

gnomAD v4.1: 2 of 1,613,868 alleles (0.00012%); highest among the groups gnomAD compares: Non-Finnish European, 0.00017%; no homozygotes.

Submissions (2):

CeGaT Center for Human Genetics Tuebingen
Classification: Likely benign. Last evaluated: 2026-09-01. Review status: criteria provided, single submitter. Criteria: CeGaT Center For Human Genetics Tuebingen Variant Classification Criteria Version 2. Collection method: clinical testing. Allele origin: germline. Affected: yes. Observed: 1 variant allele.
Comment: TTN: BP4, BP7

Labcorp Genetics (formerly Invitae), Labcorp
Classification: Likely benign for Dilated cardiomyopathy 1G; Autosomal recessive limb-girdle muscular dystrophy type 2J. Last evaluated: 2023-02-23. Review status: criteria provided, single submitter. Criteria: Invitae Variant Classification Sherloc (09022015). Collection method: clinical testing. Allele origin: germline.